The following is an entry in ClinVar:

ClinVar aggregate classification (germline): Likely benign (1 of 4 stars; one submission).

Conditions:
Familial cancer of breast. Also called: BREAST CANCER, FAMILIAL; Hereditary breast cancer; hereditary breast carcinoma. Identifiers: Orphanet 227535, MedGen C0346153, MONDO:0016419, OMIM 114480. Disease mechanism: loss of function.

Submission:

Myriad Genetics, Inc.
Classification: Likely benign for Familial cancer of breast. Last evaluated: 2024-05-22. Review status: criteria provided, single submitter. Criteria: Myriad Autosomal Dominant, Autosomal Recessive and X-Linked Classification Criteria (2023). Collection method: clinical testing. Allele origin: unknown.
Comment: This variant is considered likely benign. This variant is intronic and is not expected to impact mRNA splicing.

NM_000051.4(ATM):c.5178-19T>C

Gene: ATM (ATM serine/threonine kinase; plus strand). Cytogenetic location: 11q22.3.
Variant type: single nucleotide variant.
Coding change: c.5178-19T>C on transcript NM_000051.4 (MANE Select); 19 bases into the intron before coding-DNA position 5178, T replaced by C.
Molecular consequence: intron variant.
Genome position (GRCh38, 1-based): chr11:108,301,629, T>C. VCF-style: chr11-108301629-T-C. GRCh37 (hg19) VCF-style: chr11-108172356-T-C.
Other names: c.5178-19T>C (NM_001351834.2).
Identifiers: ClinVar variation 3253755 (VCV003253755.1), dbSNP rs2135911154.